The following is an entry in ClinVar:

NM_001378778.1(MPDZ):c.1894C>T (p.Arg632Cys)

Gene: MPDZ (multiple PDZ domain crumbs cell polarity complex component; minus strand). Cytogenetic location: 9p23.
Variant type: single nucleotide variant.
Coding change: c.1894C>T on transcript NM_001378778.1 (MANE Select); coding-DNA position 1894, C replaced by T.
Protein change: p.Arg632Cys; replaces arginine 632 with cysteine.
Molecular consequence: missense variant.
Genome position (GRCh38, 1-based): chr9:13,192,205, G>A on the plus strand (C>T on the coding strand, the complement: MPDZ is on the minus strand). VCF-style: chr9-13192205-G-A. GRCh37 (hg19) VCF-style: chr9-13192204-G-A.
Other names: c.1894C>T, p.Arg632Cys (NM_001261406.2, NM_001261407.2, NM_001330637.2 and 14 more transcripts); c.1894C>T (NM_003829.3); short protein forms R632C.
Identifiers: ClinVar variation 377077 (VCV000377077.11), dbSNP rs755060398, ClinGen allele CA4987640.
Genomic context (GRCh38, chr9:13,192,205, plus strand): 5'-CAATATCACATAAGTCCAGGCTATCCAATTCTGATTGGGTGGTGGGTGGCACAGTTCGAC[G>A]ACAGCACACCATTGTCACTTCTATAGGCAGTTCTTTTAAGATATTCACCACATCTTGGTG-3'
Protein context (NP_001365707.1, residues 622-642): LPIEVTMVCC[Arg632Cys]RTVPPTTQSE

ClinVar aggregate classification (germline): Uncertain significance. Review status: criteria provided, multiple submitters, no conflicts (2 of 4 stars). 5 submissions from 5 submitters: Uncertain significance (4). 1 of the submissions does not count toward it. Last evaluated 2024-12-12.

Conditions:
MPDZ-related disorder. Also called: MPDZ-related condition.
Inborn genetic diseases. Identifiers: MedGen C0950123, MeSH D030342.

Allele frequency attached by ClinVar (database versions not stated): TOPMed 0.00005; ExAC 0.00009; gnomAD exomes 0.00009.
gnomAD v4.1: 96 of 1,610,562 alleles (0.006%); highest among the groups gnomAD compares: Middle Eastern, 0.066%; 1 homozygote.

Submissions (5):

Labcorp Genetics (formerly Invitae), Labcorp
Classification: Uncertain significance. Last evaluated: 2024-12-12. Review status: criteria provided, single submitter. Criteria: Invitae Variant Classification Sherloc (09022015). Collection method: clinical testing. Allele origin: germline.
Comment: This sequence change replaces arginine, which is basic and polar, with cysteine, which is neutral and slightly polar, at codon 632 of the MPDZ protein (p.Arg632Cys). This variant is present in population databases (rs755060398, gnomAD 0.03%), including at least one homozygous and/or hemizygous individual. This variant has not been reported in the literature in individuals affected with MPDZ-related conditions. ClinVar contains an entry for this variant (Variation ID: 377077). An algorithm developed to predict the effect of missense changes on protein structure and function (PolyPhen-2) suggests that this variant is likely to be disruptive. In summary, the available evidence is currently insufficient to determine the role of this variant in disease. Therefore, it has been classified as a Variant of Uncertain Significance.

Ambry Genetics
Classification: Uncertain significance for Inborn genetic diseases. Last evaluated: 2023-11-17. Review status: criteria provided, single submitter. Criteria: Ambry Variant Classification Scheme 2023. Collection method: clinical testing. Allele origin: germline.

Genomic Research Center, Shahid Beheshti University of Medical Sciences
Classification: Uncertain significance. Last evaluated: 2019-04-27. Review status: criteria provided, single submitter. Criteria: ACMG Guidelines, 2015. Collection method: clinical testing. Allele origin: unknown. Affected: no.

Center for Pediatric Genomic Medicine, Children's Mercy Hospital and Clinics
Classification: Uncertain significance. Last evaluated: 2016-11-03. Review status: criteria provided, single submitter. Criteria: ACMG Guidelines, 2015. Collection method: clinical testing. Allele origin: germline.
ClinVar note: Converted during submission from Uncertain Significance to Uncertain significance.

PreventionGenetics, part of Exact Sciences
Classification: Uncertain significance for MPDZ-related condition. Last evaluated: 2024-05-14. Review status: no assertion criteria provided. Collection method: clinical testing. Allele origin: germline. Not counted in ClinVar's aggregate classification.
Comment: The MPDZ c.1894C>T variant is predicted to result in the amino acid substitution p.Arg632Cys. To our knowledge, this variant has not been reported in the literature. This variant is reported in 0.027% of alleles in individuals of South Asian descent in gnomAD, including one homozygote. At this time, the clinical significance of this variant is uncertain due to the absence of conclusive functional and genetic evidence.